The following is an entry in ClinVar:

ClinVar aggregate classification (germline): Benign/Likely benign. Review status: criteria provided, multiple submitters, no conflicts (2 of 4 stars). 4 submissions from 4 submitters: Benign (1); Likely benign (3). Last evaluated 2026-01-25.

Conditions:
CLPB-related disorder. Also called: CLPB-related condition.
3-methylglutaconic aciduria, type VIIB (MGCA7B). Also called: 3-methylglutaconic aciduria, type VII, with cataracts, neurologic involvement and neutropenia; CLPB Deficiency; 3-methylglutaconic aciduria with cataracts, neurologic involvement and neutropenia. Identifiers: Orphanet 445038, MedGen C5676893, MONDO:0014561, OMIM 616271.

Allele frequency attached by ClinVar (database versions not stated): gnomAD exomes 0.00010 and 0.00055; gnomAD 0.00018 and 0.00022; TOPMed 0.00029; ExAC 0.00051; 1000 Genomes Project 30x 0.00156; 1000 Genomes Project 0.00180.
gnomAD v4.1: 225 of 1,614,216 alleles (0.014%); highest among the groups gnomAD compares: East Asian, 0.37%; 2 homozygotes.

Submissions (4):

Labcorp Genetics (formerly Invitae), Labcorp
Classification: Benign for 3-methylglutaconic aciduria, type VIIB. Last evaluated: 2026-01-25. Review status: criteria provided, single submitter. Criteria: Invitae Variant Classification Sherloc (09022015). Collection method: clinical testing. Allele origin: germline.

PreventionGenetics, part of Exact Sciences
Classification: Likely benign for CLPB-related condition. Last evaluated: 2025-10-08. Review status: criteria provided, single submitter. Criteria: ACMG Guidelines, 2015. Collection method: clinical testing. Allele origin: germline.
Comment: This variant is classified as likely benign based on ACMG/AMP sequence variant interpretation guidelines (Richards et al. 2015 PMID: 25741868, with internal and published modifications).

Blueprint Genetics
Classification: Likely benign. Last evaluated: 2024-08-13. Review status: criteria provided, single submitter. Criteria: ACMG Guidelines, 2015. Collection method: clinical testing. Allele origin: germline.

GeneDx
Classification: Likely benign. Last evaluated: 2017-05-23. Review status: criteria provided, single submitter. Criteria: GeneDx Variant Classification (06012015). Collection method: clinical testing. Allele origin: germline. Affected: yes.
Comment: This variant is considered likely benign or benign based on one or more of the following criteria: it is a conservative change, it occurs at a poorly conserved position in the protein, it is predicted to be benign by multiple in silico algorithms, and/or has population frequency not consistent with disease.

NM_001258392.3(CLPB):c.1429C>T (p.Leu477=)

Gene: CLPB (ClpB family mitochondrial disaggregase; minus strand). Cytogenetic location: 11q13.4.
Variant type: single nucleotide variant.
Coding change: c.1429C>T on transcript NM_001258392.3 (MANE Select); coding-DNA position 1429, C replaced by T.
Protein change: p.Leu477=; no amino-acid change (leucine 477 retained).
Molecular consequence: synonymous variant.
Genome position (GRCh38, 1-based): chr11:72,295,549, G>A on the plus strand (C>T on the coding strand, the complement: CLPB is on the minus strand). VCF-style: chr11-72295549-G-A. GRCh37 (hg19) VCF-style: chr11-72006593-G-A.
Other names: c.1342C>T, p.Leu448= (NM_001258393.3); c.1384C>T, p.Leu462= (NM_001258394.3); c.1519C>T, p.Leu507= (NM_030813.6).
Identifiers: ClinVar variation 386086 (VCV000386086.14), dbSNP rs77345581, ClinGen allele CA6171172.